The following is an entry in ClinVar:

NM_001734.5(C1S):c.1094T>C (p.Ile365Thr)

Gene: C1S (complement C1s; plus strand). Cytogenetic location: 12p13.31.
Variant type: single nucleotide variant.
Coding change: c.1094T>C on transcript NM_001734.5 (MANE Select); coding-DNA position 1094, T replaced by C.
Protein change: p.Ile365Thr; replaces isoleucine 365 with threonine.
Molecular consequence: missense variant.
Genome position (GRCh38, 1-based): chr12:7,067,670, T>C. VCF-style: chr12-7067670-T-C. GRCh37 (hg19) VCF-style: chr12-7174974-T-C.
Other names: c.593T>C, p.Ile198Thr (NM_001346850.2); c.1094T>C, p.Ile365Thr (NM_201442.4); short protein forms I365T, I198T.
Identifiers: ClinVar variation 2798160 (VCV002798160.4), dbSNP rs782476162, ClinGen allele CA6423676.

ClinVar aggregate classification (germline): Uncertain significance. Review status: criteria provided, multiple submitters, no conflicts (2 of 4 stars). 2 submissions from 2 submitters: Uncertain significance (2). Last evaluated 2023-08-17.

Allele frequency attached by ClinVar (database versions not stated): TOPMed below 0.00001; ExAC 0.00001.

Submissions (2):

Labcorp Genetics (formerly Invitae), Labcorp
Classification: Uncertain significance. Last evaluated: 2023-08-17. Review status: criteria provided, single submitter. Criteria: Invitae Variant Classification Sherloc (09022015). Collection method: clinical testing. Allele origin: germline.
Comment: In summary, the available evidence is currently insufficient to determine the role of this variant in disease. Therefore, it has been classified as a Variant of Uncertain Significance. This sequence change replaces isoleucine, which is neutral and non-polar, with threonine, which is neutral and polar, at codon 365 of the C1S protein (p.Ile365Thr). This variant is present in population databases (rs782476162, gnomAD 0.0009%). This variant has not been reported in the literature in individuals affected with C1S-related conditions. Advanced modeling of protein sequence and biophysical properties (such as structural, functional, and spatial information, amino acid conservation, physicochemical variation, residue mobility, and thermodynamic stability) has been performed at Invitae for this missense variant, however the output from this modeling did not meet the statistical confidence thresholds required to predict the impact of this variant on C1S protein function.

Blueprint Genetics
Classification: Uncertain significance. Last evaluated: 2018-05-04. Review status: criteria provided, single submitter. Criteria: ACMG Guidelines, 2015. Collection method: clinical testing. Allele origin: germline.